The following is an entry in ClinVar:

ClinVar aggregate classification (germline): Uncertain significance. Review status: criteria provided, multiple submitters, no conflicts (2 of 4 stars). 5 submissions from 5 submitters: Uncertain significance (5). Last evaluated 2025-06-29.

Conditions:
Tuberous sclerosis 2 (TSC2). Identifiers: Orphanet 805, MedGen C1860707, MONDO:0013199, OMIM 613254.
Lymphangiomyomatosis (LAM). Also called: Lymphangioleiomyomatosis, somatic; Lymphangioleiomyomatosis. Identifiers: Orphanet 538, MedGen C0751674, MONDO:0011705, OMIM 606690.
Isolated focal cortical dysplasia type II (FCORD2). Also called: CORTICAL DYSPLASIA OF TAYLOR; Focal cortical dysplasia type II. Identifiers: Orphanet 268994, MedGen C1846385, MONDO:0011818, OMIM 607341, HP:0032051.
Tuberous sclerosis syndrome (TSC). Also called: Tuberous sclerosis; Tuberous Sclerosis Complex. Identifiers: Orphanet 805, MedGen C0041341, MONDO:0001734.
Hereditary cancer-predisposing syndrome. Also called: Neoplastic Syndromes, Hereditary; Hereditary Cancer Syndrome; Hereditary neoplastic syndrome; Tumor predisposition. Identifiers: Orphanet 140162, MedGen C0027672, MeSH D009386, MONDO:0015356.

Submissions (5):

Labcorp Genetics (formerly Invitae), Labcorp
Classification: Uncertain significance for Tuberous sclerosis 2. Last evaluated: 2025-06-29. Review status: criteria provided, single submitter. Criteria: Invitae Variant Classification Sherloc (09022015). Collection method: clinical testing. Allele origin: germline.
Comment: This sequence change replaces serine, which is neutral and polar, with phenylalanine, which is neutral and non-polar, at codon 923 of the TSC2 protein (p.Ser923Phe). This variant is not present in population databases (gnomAD no frequency). This variant has not been reported in the literature in individuals affected with TSC2-related conditions. ClinVar contains an entry for this variant (Variation ID: 643215). Invitae Evidence Modeling of protein sequence and biophysical properties (such as structural, functional, and spatial information, amino acid conservation, physicochemical variation, residue mobility, and thermodynamic stability) indicates that this missense variant is not expected to disrupt TSC2 protein function with a negative predictive value of 95%. In summary, the available evidence is currently insufficient to determine the role of this variant in disease. Therefore, it has been classified as a Variant of Uncertain Significance.

Ambry Genetics
Classification: Uncertain significance for Hereditary cancer-predisposing syndrome. Last evaluated: 2024-02-23. Review status: criteria provided, single submitter. Criteria: Ambry Variant Classification Scheme 2023. Collection method: clinical testing. Allele origin: germline.
Comment: The p.S923F variant (also known as c.2768C>T), located in coding exon 24 of the TSC2 gene, results from a C to T substitution at nucleotide position 2768. The serine at codon 923 is replaced by phenylalanine, an amino acid with highly dissimilar properties. This amino acid position is well conserved in available vertebrate species. In addition, this alteration is predicted to be deleterious by in silico analysis. Since supporting evidence is limited at this time, the clinical significance of this alteration remains unclear.

GeneDx
Classification: Uncertain significance. Last evaluated: 2023-05-17. Review status: criteria provided, single submitter. Criteria: GeneDx Variant Classification Process June 2021. Collection method: clinical testing. Allele origin: germline. Affected: yes.
Comment: Not observed at significant frequency in large population cohorts (gnomAD); In silico analysis supports that this missense variant has a deleterious effect on protein structure/function; Has not been previously published as pathogenic or benign to our knowledge; This variant is associated with the following publications: (PMID: 24728327)

All of Us Research Program, National Institutes of Health
Classification: Uncertain significance for Tuberous sclerosis syndrome. Last evaluated: 2023-04-03. Review status: criteria provided, single submitter. Criteria: ACMG Guidelines, 2015. Collection method: clinical testing. Allele origin: germline. Inheritance: Autosomal dominant inheritance. Observed: 1 variant allele, 1 heterozygote.
Comment: This missense variant replaces serine with phenylalanine at codon 923 of the TSC2 protein. Computational prediction is inconclusive regarding the impact of this variant on protein structure and function (internally defined REVEL score threshold 0.5 < inconclusive < 0.7, PMID: 27666373). To our knowledge, functional studies have not been reported for this variant. This variant has not been reported in individuals affected with tuberous sclerosis complex in the literature. This variant has not been identified in the general population by the Genome Aggregation Database (gnomAD). The available evidence is insufficient to determine the role of this variant in disease conclusively. Therefore, this variant is classified as a Variant of Uncertain Significance.

This study involves interpretation of variants in research participants for the purpose of population health screening. Participant phenotype was not available at the time of variant classification. Additional details can be found in publication PMID: 35346344, PMCID: PMC8962531

Center for Genomics, Ann and Robert H. Lurie Children's Hospital of Chicago
Classification: Uncertain significance for Lymphangiomyomatosis; Isolated focal cortical dysplasia type II; Tuberous sclerosis 2. Last evaluated: 2022-09-01. Review status: criteria provided, single submitter. Criteria: ACMG Guidelines, 2015. Collection method: clinical testing. Allele origin: germline.
Comment: This variant has not been reported in the literature and is not present in large control databases. This variant is present in ClinVar (Variation ID:643215). Evolutionary conservation for this variant is unclear; computational predictive tools suggest that this variant may impact the protein. In summary, data on this variant is insufficient for disease classification. Therefore, the clinical significance of this variant is uncertain.

NM_000548.5(TSC2):c.2768C>T (p.Ser923Phe)

Gene: TSC2 (TSC complex subunit 2; plus strand). Cytogenetic location: 16p13.3.
Variant type: single nucleotide variant.
Coding change: c.2768C>T on transcript NM_000548.5 (MANE Select); coding-DNA position 2768, C replaced by T.
Protein change: p.Ser923Phe; replaces serine 923 with phenylalanine.
Molecular consequence: missense variant.
Genome position (GRCh38, 1-based): chr16:2,076,516, C>T. VCF-style: chr16-2076516-C-T. GRCh37 (hg19) VCF-style: chr16-2126517-C-T.
Other names: c.2768C>T, p.Ser923Phe (NM_001077183.3, NM_001114382.3, NM_001363528.2 and 3 more transcripts); c.2657C>T, p.Ser886Phe (NM_001318827.2); c.2621C>T, p.Ser874Phe (NM_001318829.2); c.2168C>T, p.Ser723Phe (NM_001318831.2); c.2801C>T, p.Ser934Phe (NM_001318832.2); short protein forms S874F, S934F, S886F, S723F, S923F.
Identifiers: ClinVar variation 643215 (VCV000643215.13), dbSNP rs587778731, ClinGen allele CA394279890.